The following is an entry in ClinVar:

ClinVar aggregate classification (germline): Likely benign (1 of 4 stars; one submission).

Allele frequency attached by ClinVar (database versions not stated): ExAC 0.00004; gnomAD 0.00007; gnomAD exomes 0.00008; TOPMed 0.00009; ESP Exome Variant Server 0.00031.
gnomAD v4.1: 131 of 1,613,700 alleles (0.0081%); highest among the groups gnomAD compares: Non-Finnish European, 0.011%; no homozygotes.

Submission:

CeGaT Center for Human Genetics Tuebingen
Classification: Likely benign. Last evaluated: 2023-10-01. Review status: criteria provided, single submitter. Criteria: CeGaT Center For Human Genetics Tuebingen Variant Classification Criteria Version 2. Collection method: clinical testing. Allele origin: germline. Affected: yes. Observed: 1 variant allele.
Comment: SPEF2: BP4, BP7

NM_024867.4(SPEF2):c.222T>C (p.Gly74=)

Gene: SPEF2 (sperm flagellar and cilia associated 2; plus strand). Cytogenetic location: 5p13.2.
Variant type: single nucleotide variant.
Coding change: c.222T>C on transcript NM_024867.4 (MANE Select); coding-DNA position 222, T replaced by C.
Protein change: p.Gly74=; no amino-acid change (glycine 74 retained).
Molecular consequence: synonymous variant.
Genome position (GRCh38, 1-based): chr5:35,641,491, T>C. VCF-style: chr5-35641491-T-C. GRCh37 (hg19) VCF-style: chr5-35641593-T-C.
Other names: c.222T>C, p.Gly74= (NM_144722.4).
Identifiers: ClinVar variation 2655395 (VCV002655395.24), dbSNP rs145953759, ClinGen allele CA3230102.